The following is an entry in ClinVar:

ClinVar aggregate classification (germline): Likely benign (0 of 4 stars; one submission).

Conditions:
TBK1-related disorder. Also called: TBK1-related condition.

gnomAD v4.1: 5 of 1,600,814 alleles (0.00031%); highest among the groups gnomAD compares: East Asian, 0.009%; no homozygotes.

Submission:

PreventionGenetics, part of Exact Sciences
Classification: Likely benign for TBK1-related condition. Last evaluated: 2022-03-03. Review status: no assertion criteria provided. Collection method: clinical testing. Allele origin: germline.
Comment: This variant is classified as likely benign based on ACMG/AMP sequence variant interpretation guidelines (Richards et al. 2015 PMID: 25741868, with internal and published modifications).

NM_013254.4(TBK1):c.1893A>G (p.Leu631=)

Gene: TBK1 (TANK binding kinase 1; plus strand). Cytogenetic location: 12q14.2.
Variant type: single nucleotide variant.
Coding change: c.1893A>G on transcript NM_013254.4 (MANE Select); coding-DNA position 1893, A replaced by G.
Protein change: p.Leu631=; no amino-acid change (leucine 631 retained).
Molecular consequence: synonymous variant.
Genome position (GRCh38, 1-based): chr12:64,497,193, A>G. VCF-style: chr12-64497193-A-G. GRCh37 (hg19) VCF-style: chr12-64890973-A-G.
Identifiers: ClinVar variation 3355148 (VCV003355148.1).